The following is an entry in ClinVar:

NM_000170.3(GLDC):c.700C>G (p.Gln234Glu)

Gene: GLDC (glycine decarboxylase; minus strand). Cytogenetic location: 9p24.1.
Variant type: single nucleotide variant.
Coding change: c.700C>G on transcript NM_000170.3 (MANE Select); coding-DNA position 700, C replaced by G.
Protein change: p.Gln234Glu; replaces glutamine 234 with glutamic acid.
Molecular consequence: missense variant.
Genome position (GRCh38, 1-based): chr9:6,606,605, G>C on the plus strand (C>G on the coding strand, the complement: GLDC is on the minus strand). VCF-style: chr9-6606605-G-C. GRCh37 (hg19) VCF-style: chr9-6606605-G-C.
Other names: short protein forms Q234E.
Identifiers: ClinVar variation 913753 (VCV000913753.8), dbSNP rs150698281, ClinGen allele CA4981033.

ClinVar aggregate classification (germline): Uncertain significance. Review status: criteria provided, multiple submitters, no conflicts (2 of 4 stars). 3 submissions from 3 submitters: Uncertain significance (3). Last evaluated 2024-10-24.

Conditions:
Glycine encephalopathy. Also called: Non-ketotic hyperglycinemia; Nonketotic hyperglycinemia. Identifiers: Orphanet 407, MedGen C0751748, MONDO:0011612, HP:0008288.

Allele frequency attached by ClinVar (database versions not stated): gnomAD exomes 0.00006; ExAC 0.00007; gnomAD 0.00014 and 0.00016; TOPMed 0.00021; ESP Exome Variant Server 0.00023.
gnomAD v4.1: 40 of 1,592,230 alleles (0.0025%); highest among the groups gnomAD compares: African/African-American, 0.043%; no homozygotes.

Submissions (3):

Labcorp Genetics (formerly Invitae), Labcorp
Classification: Uncertain significance for Glycine encephalopathy. Last evaluated: 2024-10-24. Review status: criteria provided, single submitter. Criteria: Invitae Variant Classification Sherloc (09022015). Collection method: clinical testing. Allele origin: germline.
Comment: This sequence change replaces glutamine, which is neutral and polar, with glutamic acid, which is acidic and polar, at codon 234 of the GLDC protein (p.Gln234Glu). This variant is present in population databases (rs150698281, gnomAD 0.05%). This variant has not been reported in the literature in individuals affected with GLDC-related conditions. ClinVar contains an entry for this variant (Variation ID: 913753). Invitae Evidence Modeling of protein sequence and biophysical properties (such as structural, functional, and spatial information, amino acid conservation, physicochemical variation, residue mobility, and thermodynamic stability) indicates that this missense variant is not expected to disrupt GLDC protein function with a negative predictive value of 95%. In summary, the available evidence is currently insufficient to determine the role of this variant in disease. Therefore, it has been classified as a Variant of Uncertain Significance.

GeneDx
Classification: Uncertain significance. Last evaluated: 2023-09-27. Review status: criteria provided, single submitter. Criteria: GeneDx Variant Classification Process June 2021. Collection method: clinical testing. Allele origin: germline. Affected: yes.
Comment: In silico analysis supports that this missense variant does not alter protein structure/function; Has not been previously published as pathogenic or benign to our knowledge

Illumina Laboratory Services, Illumina
Classification: Uncertain significance for Glycine encephalopathy 1. Last evaluated: 2018-01-12. Review status: criteria provided, single submitter. Criteria: ICSL Variant Classification Criteria 13 December 2019. Collection method: clinical testing. Allele origin: germline.